The following is an entry in ClinVar:

NM_015443.4(KANSL1):c.2627G>A (p.Arg876His)

Gene: KANSL1 (KAT8 regulatory NSL complex subunit 1). Cytogenetic location: 17q21.31.
Variant type: single nucleotide variant.
Coding change: c.2627G>A on transcript NM_015443.4 (MANE Select); coding-DNA position 2627, G replaced by A.
Protein change: p.Arg876His; replaces arginine 876 with histidine.
Molecular consequence: missense variant.
Genome position (GRCh38, 1-based): chr17:46,034,200, C>T on the plus strand (G>A on the coding strand, the complement: KANSL1 is on the minus strand). VCF-style: chr17-46034200-C-T. GRCh37 (hg19) VCF-style: chr17-44111566-C-T.
Other names: c.2525G>A, p.Arg842His (NM_001405860.1, NM_001405859.1); c.2522G>A, p.Arg841His (NM_001405861.1, NM_001405881.1); c.2627G>A, p.Arg876His (NM_001405872.1, NM_001405873.1, NM_001405874.1 and 4 more transcripts); c.2438G>A, p.Arg813His (NM_001405875.1, NM_001405876.1, NM_001405877.1 and 1 more transcripts); c.2435G>A, p.Arg812His (NM_001405879.1, NM_001405880.1); c.1358G>A, p.Arg453His (NM_001405883.1); c.1172G>A, p.Arg391His (NM_001405884.1); c.1169G>A, p.Arg390His (NM_001405885.1); and 2 more; short protein forms R842H, R876H, R453H, R841H, R875H, R390H, R391H, R454H.
Identifiers: ClinVar variation 3681419 (VCV003681419.2).

ClinVar aggregate classification (germline): Uncertain significance (1 of 4 stars; one submission).

Conditions:
Koolen-de Vries syndrome (KDVS). Identifiers: Orphanet 96169, MedGen C1864871, MONDO:0012496, OMIM 610443.

Submission:

Labcorp Genetics (formerly Invitae), Labcorp
Classification: Uncertain significance for Koolen-de Vries syndrome. Last evaluated: 2024-03-18. Review status: criteria provided, single submitter. Criteria: Invitae Variant Classification Sherloc (09022015). Collection method: clinical testing. Allele origin: germline.
Comment: This sequence change replaces arginine, which is basic and polar, with histidine, which is basic and polar, at codon 876 of the KANSL1 protein (p.Arg876His). This variant is not present in population databases (gnomAD no frequency). This variant has not been reported in the literature in individuals affected with KANSL1-related conditions. Advanced modeling of protein sequence and biophysical properties (such as structural, functional, and spatial information, amino acid conservation, physicochemical variation, residue mobility, and thermodynamic stability) has been performed at Invitae for this missense variant, however the output from this modeling did not meet the statistical confidence thresholds required to predict the impact of this variant on KANSL1 protein function. In summary, the available evidence is currently insufficient to determine the role of this variant in disease. Therefore, it has been classified as a Variant of Uncertain Significance.